The following is an entry in ClinVar:

NM_003331.5(TYK2):c.1404C>T (p.Asp468=)

Gene: TYK2 (tyrosine kinase 2; minus strand). Cytogenetic location: 19p13.2.
Variant type: single nucleotide variant.
Coding change: c.1404C>T on transcript NM_003331.5 (MANE Select); coding-DNA position 1404, C replaced by T.
Protein change: p.Asp468=; no amino-acid change (aspartic acid 468 retained).
Molecular consequence: synonymous variant.
Genome position (GRCh38, 1-based): chr19:10,362,621, G>A on the plus strand (C>T on the coding strand, the complement: TYK2 is on the minus strand). VCF-style: chr19-10362621-G-A. GRCh37 (hg19) VCF-style: chr19-10473297-G-A.
Other names: c.1404C>T, p.Asp468= (NM_001385197.1, NM_001385198.1, NM_001385199.1 and 6 more transcripts); c.1206C>T, p.Asp402= (NM_001385201.1); c.1314C>T, p.Asp438= (NM_001385205.1).
Identifiers: ClinVar variation 1032122 (VCV001032122.12), dbSNP rs374132564, ClinGen allele CA9193423.

ClinVar aggregate classification (germline): Conflicting classifications of pathogenicity. Review status: criteria provided, conflicting classifications (1 of 4 stars). 3 submissions from 3 submitters: Uncertain significance (1); Likely benign (2). Last evaluated 2025-11-06.

Conditions:
Immunodeficiency 35 (IMD35). Also called: TYK2 DEFICIENCY; Susceptibility to infection due to TYK2 deficiency; HIES WITH ATYPICAL MYCOBACTERIOSIS, AUTOSOMAL RECESSIVE; HYPER-IgE SYNDROME WITH ATYPICAL MYCOBACTERIOSIS, AUTOSOMAL RECESSIVE. Identifiers: Orphanet 331226, MedGen C1969086, MONDO:0012682, OMIM 611521.

Allele frequency attached by ClinVar (database versions not stated): gnomAD 0.00001; TOPMed 0.00002; gnomAD exomes 0.00004 and 0.00005; ExAC 0.00005; ESP Exome Variant Server 0.00008.
gnomAD v4.1: 69 of 1,552,236 alleles (0.0044%); highest among the groups gnomAD compares: South Asian, 0.0083%; no homozygotes.

Submissions (3):

Labcorp Genetics (formerly Invitae), Labcorp
Classification: Likely benign for Immunodeficiency 35. Last evaluated: 2025-11-06. Review status: criteria provided, single submitter. Criteria: Invitae Variant Classification Sherloc (09022015). Collection method: clinical testing. Allele origin: germline.

Blueprint Genetics
Classification: Likely benign. Last evaluated: 2022-07-13. Review status: criteria provided, single submitter. Criteria: ACMG Guidelines, 2015. Collection method: clinical testing. Allele origin: germline.

Baylor Genetics
Classification: Uncertain significance for Immunodeficiency 35. Last evaluated: 2018-04-18. Review status: criteria provided, single submitter. Criteria: ACMG Guidelines, 2015. Collection method: clinical testing. Allele origin: unknown. Affected: yes.
Comment: This variant was determined to be of uncertain significance according to ACMG Guidelines, 2015 [PMID:25741868].